The following is an entry in ClinVar:

NM_004960.4(FUS):c.1208G>A (p.Gly403Asp)

Gene: FUS (FUS RNA binding protein; plus strand). Cytogenetic location: 16p11.2.
Variant type: single nucleotide variant.
Coding change: c.1208G>A on transcript NM_004960.4 (MANE Select); coding-DNA position 1208, G replaced by A.
Protein change: p.Gly403Asp; replaces glycine 403 with aspartic acid.
Molecular consequence: missense variant. On other transcripts: non-coding transcript variant (1).
Genome position (GRCh38, 1-based): chr16:31,190,314, G>A. VCF-style: chr16-31190314-G-A. GRCh37 (hg19) VCF-style: chr16-31201635-G-A.
Other names: c.1205G>A, p.Gly402Asp (NM_001170634.1); c.1196G>A, p.Gly399Asp (NM_001170937.1); short protein forms G399D, G402D, G403D.
Identifiers: ClinVar variation 3759426 (VCV003759426.2).
Genomic context (GRCh38, chr16:31,190,314, plus strand): 5'-TACTTGGTCTATCTGCATTAGGACCCATGGGCCGTGGAGGCTATGGAGGTGGTGGCAGTG[G>A]TGGTGGTGGCCGAGGAGGATTTCCCAGTGGAGGTGGTGGCGGTGGAGGACAGCAGCGAGC-3'
Protein context (NP_004951.1, residues 393-413): GRGGYGGGGS[Gly403Asp]GGGRGGFPSG

ClinVar aggregate classification (germline): Uncertain significance (1 of 4 stars; one submission).

Conditions:
Amyotrophic lateral sclerosis type 6. Also called: FUS-Related Amyotrophic Laterial Sclerosis; AMYOTROPHIC LATERAL SCLEROSIS 6 WITHOUT FRONTOTEMPORAL DEMENTIA; Amyotrophic lateral sclerosis 6, with or without frontotemporal dementia. Identifiers: Orphanet 275872, Orphanet 803, MedGen C2931786, MONDO:0011951, OMIM 608030.
Tremor, hereditary essential, 4 (ETM4). Identifiers: MedGen C3539195, MONDO:0013888, OMIM 614782.

Submission:

Labcorp Genetics (formerly Invitae), Labcorp
Classification: Uncertain significance for Tremor, hereditary essential, 4; Amyotrophic lateral sclerosis type 6. Last evaluated: 2024-10-10. Review status: criteria provided, single submitter. Criteria: Invitae Variant Classification Sherloc (09022015). Collection method: clinical testing. Allele origin: germline.
Comment: This sequence change replaces glycine, which is neutral and non-polar, with aspartic acid, which is acidic and polar, at codon 403 of the FUS protein (p.Gly403Asp). This variant is not present in population databases (gnomAD no frequency). This variant has not been reported in the literature in individuals affected with FUS-related conditions. An algorithm developed to predict the effect of missense changes on protein structure and function (PolyPhen-2) suggests that this variant is likely to be disruptive. In summary, the available evidence is currently insufficient to determine the role of this variant in disease. Therefore, it has been classified as a Variant of Uncertain Significance.